The following is an entry in ClinVar:

ClinVar aggregate classification (germline): Likely benign (1 of 4 stars; one submission).

Conditions:
CHD5-related disorder. Also called: CHD5-related condition.

Submission:

PreventionGenetics, part of Exact Sciences
Classification: Likely benign for CHD5-related condition. Last evaluated: 2025-09-18. Review status: criteria provided, single submitter. Criteria: ACMG Guidelines, 2015. Collection method: clinical testing. Allele origin: germline.
Comment: This variant is classified as likely benign based on ACMG/AMP sequence variant interpretation guidelines (Richards et al. 2015 PMID: 25741868, with internal and published modifications).

NM_015557.3(CHD5):c.998ATG[1] (p.Asp334del)

Gene: CHD5 (chromodomain helicase DNA binding protein 5; minus strand). Cytogenetic location: 1p36.31.
Variant type: Microsatellite.
Coding change: c.998ATG[1] on transcript NM_015557.3 (MANE Select); one copy of the 3-base unit ATG starting at c.998; the reference has two copies in a row; one copy, 3 bases deleted.
Protein change: p.Asp334del; deletes aspartic acid 334.
Molecular consequence: inframe deletion.
Genome position (GRCh38, 1-based): chr1:6,149,404-6,149,406, CAT deleted on the plus strand (ATG on the coding strand, the reverse complement: CHD5 is on the minus strand); deleting any 3 consecutive bases within chr1:6,149,404-6,149,411 gives the same sequence; the position shown is the placement nearest the transcript's 3' end. VCF-style (leftmost placement, unchanged base first): chr1-6149403-CCAT-C. GRCh37 (hg19) VCF-style: chr1-6209463-CCAT-C.
Other names: short protein forms D334del.
Identifiers: ClinVar variation 4980723 (VCV004980723.1).